The following is an entry in ClinVar:

ClinVar aggregate classification (germline): Pathogenic (1 of 4 stars; one submission).

Conditions:
Familial adenomatous polyposis 1 (FAP1). Also called: FAMILIAL ADENOMATOUS POLYPOSIS 1, ATTENUATED; POLYPOSIS, ADENOMATOUS INTESTINAL. Identifiers: MedGen C2713442, MONDO:0021056, OMIM 175100. Disease mechanism: loss of function.

Submission:

Myriad Genetics, Inc.
Classification: Pathogenic for Familial adenomatous polyposis 1. Last evaluated: 2023-05-16. Review status: criteria provided, single submitter. Criteria: Myriad Autosomal Dominant, Autosomal Recessive and X-Linked Classification Criteria (2023). Collection method: clinical testing. Allele origin: unknown.
Comment: This variant is considered pathogenic. This variant creates a termination codon and is predicted to result in premature protein truncation.

NM_000038.6(APC):c.7387G>T (p.Glu2463Ter)

Gene: APC (APC regulator of Wnt signaling pathway; plus strand). Cytogenetic location: 5q22.2.
Variant type: single nucleotide variant.
Coding change: c.7387G>T on transcript NM_000038.6 (MANE Select); coding-DNA position 7387, G replaced by T.
Protein change: p.Glu2463Ter; replaces glutamic acid 2463 with a stop codon.
Molecular consequence: nonsense. On other transcripts: non-coding transcript variant (2).
Genome position (GRCh38, 1-based): chr5:112,842,981, G>T. VCF-style: chr5-112842981-G-T. GRCh37 (hg19) VCF-style: chr5-112178678-G-T.
Other names: c.7387G>T, p.Glu2463Ter (NM_001127510.3, NM_001354895.2, NM_001407450.1); c.7333G>T, p.Glu2445Ter (NM_001127511.3); c.7441G>T, p.Glu2481Ter (NM_001354896.2, NM_001407447.1, NM_001407448.1 and 1 more transcripts); c.7417G>T, p.Glu2473Ter (NM_001354897.2); c.7312G>T, p.Glu2438Ter (NM_001354898.2); c.7303G>T, p.Glu2435Ter (NM_001354899.2); c.7264G>T, p.Glu2422Ter (NM_001354900.2); c.7210G>T, p.Glu2404Ter (NM_001354901.2, NM_001407453.1); and 11 more; short protein forms E2079*, E2180*, E2303*, E2334*, E2337*, E2362*, E2372*, E2380*.
Identifiers: ClinVar variation 2584242 (VCV002584242.1), dbSNP rs775437110, ClinGen allele CA16037423.